The following is an entry in ClinVar:

NM_001130144.3(LTBP3):c.1012G>A (p.Gly338Ser)

Gene: LTBP3 (latent transforming growth factor beta binding protein 3; minus strand). Cytogenetic location: 11q13.1.
Variant type: single nucleotide variant.
Coding change: c.1012G>A on transcript NM_001130144.3 (MANE Select); coding-DNA position 1012, G replaced by A.
Protein change: p.Gly338Ser; replaces glycine 338 with serine.
Molecular consequence: missense variant.
Genome position (GRCh38, 1-based): chr11:65,553,215, C>T on the plus strand (G>A on the coding strand, the complement: LTBP3 is on the minus strand). VCF-style: chr11-65553215-C-T. GRCh37 (hg19) VCF-style: chr11-65320686-C-T.
Other names: c.661G>A, p.Gly221Ser (NM_001164266.1); c.1012G>A, p.Gly338Ser (NM_021070.4); short protein forms G221S, G338S.
Identifiers: ClinVar variation 3654699 (VCV003654699.2).

ClinVar aggregate classification (germline): Uncertain significance (1 of 4 stars; one submission).

Conditions:
Brachyolmia-amelogenesis imperfecta syndrome. Also called: PLATYSPONDYLY WITH AMELOGENESIS IMPERFECTA; Tooth agenesis, selective, 6; Dental anomalies and short stature. Identifiers: Orphanet 2899, MedGen C1832594, MONDO:0011018, OMIM 601216. Disease mechanism: loss of function.

Submission:

Labcorp Genetics (formerly Invitae), Labcorp
Classification: Uncertain significance for Brachyolmia-amelogenesis imperfecta syndrome. Last evaluated: 2024-05-26. Review status: criteria provided, single submitter. Criteria: Invitae Variant Classification Sherloc (09022015). Collection method: clinical testing. Allele origin: germline.
Comment: This sequence change replaces glycine, which is neutral and non-polar, with serine, which is neutral and polar, at codon 338 of the LTBP3 protein (p.Gly338Ser). This variant is not present in population databases (gnomAD no frequency). This variant has not been reported in the literature in individuals affected with LTBP3-related conditions. An algorithm developed to predict the effect of missense changes on protein structure and function (PolyPhen-2) suggests that this variant is likely to be disruptive. In summary, the available evidence is currently insufficient to determine the role of this variant in disease. Therefore, it has been classified as a Variant of Uncertain Significance.